The following is an entry in ClinVar:

ClinVar aggregate classification (germline): Uncertain significance. Review status: criteria provided, multiple submitters, no conflicts (2 of 4 stars). 2 submissions from 2 submitters: Uncertain significance (2). Last evaluated 2025-11-05.

Submissions (2):

Women's Health and Genetics/Laboratory Corporation of America, LabCorp
Classification: Uncertain significance. Last evaluated: 2025-11-05. Review status: criteria provided, single submitter. Criteria: LabCorp Variant Classification Summary - May 2015. Collection method: clinical testing. Allele origin: germline.
Comment: Variant summary: TPP1 c.145C>T (p.Leu49Phe) results in a non-conservative amino acid change in the encoded protein sequence. Algorithms developed to predict the effect of missense changes on protein structure and function are either unavailable or do not agree on the potential impact of this missense change. The variant was absent in 251334 control chromosomes. The available data on variant occurrences in the general population are insufficient to allow any conclusion about variant significance. To our knowledge, no occurrence of c.145C>T in individuals affected with TPP1-related conditions and no experimental evidence demonstrating its impact on protein function have been reported. ClinVar contains an entry for this variant (Variation ID: 1009643). Based on the evidence outlined above, the variant was classified as uncertain significance.

Labcorp Genetics (formerly Invitae), Labcorp
Classification: Uncertain significance. Last evaluated: 2022-10-04. Review status: criteria provided, single submitter. Criteria: Invitae Variant Classification Sherloc (09022015). Collection method: clinical testing. Allele origin: germline.
Comment: In summary, the available evidence is currently insufficient to determine the role of this variant in disease. Therefore, it has been classified as a Variant of Uncertain Significance. Advanced modeling of protein sequence and biophysical properties (such as structural, functional, and spatial information, amino acid conservation, physicochemical variation, residue mobility, and thermodynamic stability) has been performed at Invitae for this missense variant, however the output from this modeling did not meet the statistical confidence thresholds required to predict the impact of this variant on TPP1 protein function. ClinVar contains an entry for this variant (Variation ID: 1009643). This variant has not been reported in the literature in individuals affected with TPP1-related conditions. This variant is not present in population databases (gnomAD no frequency). This sequence change replaces leucine, which is neutral and non-polar, with phenylalanine, which is neutral and non-polar, at codon 49 of the TPP1 protein (p.Leu49Phe).

NM_000391.4(TPP1):c.145C>T (p.Leu49Phe)

Gene: TPP1 (tripeptidyl peptidase 1; minus strand). Cytogenetic location: 11p15.4.
Variant type: single nucleotide variant.
Coding change: c.145C>T on transcript NM_000391.4 (MANE Select); coding-DNA position 145, C replaced by T.
Protein change: p.Leu49Phe; replaces leucine 49 with phenylalanine.
Molecular consequence: missense variant.
Genome position (GRCh38, 1-based): chr11:6,618,860, G>A on the plus strand (C>T on the coding strand, the complement: TPP1 is on the minus strand). VCF-style: chr11-6618860-G-A. GRCh37 (hg19) VCF-style: chr11-6640091-G-A.
Other names: short protein forms L49F.
Identifiers: ClinVar variation 1009643 (VCV001009643.9), dbSNP rs752191339, ClinGen allele CA379476805.